The following is an entry in ClinVar:

NM_006206.6(PDGFRA):c.1094C>T (p.Thr365Ile)

Gene: PDGFRA (platelet derived growth factor receptor alpha; plus strand). Cytogenetic location: 4q12.
Variant type: single nucleotide variant.
Coding change: c.1094C>T on transcript NM_006206.6 (MANE Select); coding-DNA position 1094, C replaced by T.
Protein change: p.Thr365Ile; replaces threonine 365 with isoleucine.
Molecular consequence: missense variant.
Genome position (GRCh38, 1-based): chr4:54,267,714, C>T. VCF-style: chr4-54267714-C-T. GRCh37 (hg19) VCF-style: chr4-55133881-C-T.
Other names: c.1094C>T, p.Thr365Ile (NM_001347827.2, NM_001347829.2); c.1169C>T, p.Thr390Ile (NM_001347828.2); c.1133C>T, p.Thr378Ile (NM_001347830.2); short protein forms T365I, T390I, T378I.
Identifiers: ClinVar variation 835980 (VCV000835980.11), dbSNP rs1303150389, ClinGen allele CA356891786.

ClinVar aggregate classification (germline): Uncertain significance. Review status: criteria provided, multiple submitters, no conflicts (2 of 4 stars). 3 submissions from 3 submitters: Uncertain significance (3). Last evaluated 2024-05-15.

Conditions:
Hereditary cancer-predisposing syndrome. Also called: Neoplastic Syndromes, Hereditary; Tumor predisposition; Hereditary Cancer Syndrome; Hereditary neoplastic syndrome. Identifiers: Orphanet 140162, MedGen C0027672, MeSH D009386, MONDO:0015356.
Idiopathic hypereosinophilic syndrome (HES). Identifiers: Orphanet 3260, MedGen C0206141, MONDO:0011895, OMIM 607685. Disease mechanism: gain of function.
Polyps, multiple and recurrent inflammatory fibroid, gastrointestinal. Identifiers: MedGen C5193005, MONDO:0008285, OMIM 175510.
Gastrointestinal stromal tumor. Also called: Gastrointestinal stromal tumor, somatic; Gastrointestinal stroma tumor. Identifiers: Orphanet 44890, MedGen C0238198, MeSH D046152, MONDO:0011719, OMIM 606764, HP:0100723.

Allele frequency attached by ClinVar (database versions not stated): gnomAD exomes below 0.00001; TOPMed 0.00001.
gnomAD v4.1: 1 of 1,614,018 alleles (0.000062%); highest among the groups gnomAD compares: South Asian, 0.0011%; no homozygotes.

Submissions (3):

Labcorp Genetics (formerly Invitae), Labcorp
Classification: Uncertain significance for Gastrointestinal stromal tumor. Last evaluated: 2024-05-15. Review status: criteria provided, single submitter. Criteria: Invitae Variant Classification Sherloc (09022015). Collection method: clinical testing. Allele origin: germline.
Comment: This sequence change replaces threonine, which is neutral and polar, with isoleucine, which is neutral and non-polar, at codon 365 of the PDGFRA protein (p.Thr365Ile). This variant is not present in population databases (gnomAD no frequency). This variant has not been reported in the literature in individuals affected with PDGFRA-related conditions. ClinVar contains an entry for this variant (Variation ID: 835980). Advanced modeling of protein sequence and biophysical properties (such as structural, functional, and spatial information, amino acid conservation, physicochemical variation, residue mobility, and thermodynamic stability) performed at Invitae indicates that this missense variant is not expected to disrupt PDGFRA protein function with a negative predictive value of 80%. In summary, the available evidence is currently insufficient to determine the role of this variant in disease. Therefore, it has been classified as a Variant of Uncertain Significance.

Fulgent Genetics
Classification: Uncertain significance for Polyps, multiple and recurrent inflammatory fibroid, gastrointestinal; Idiopathic hypereosinophilic syndrome. Last evaluated: 2024-03-21. Review status: criteria provided, single submitter. Criteria: ACMG Guidelines, 2015. Collection method: clinical testing. Allele origin: germline.

Ambry Genetics
Classification: Uncertain significance for Hereditary cancer-predisposing syndrome. Last evaluated: 2023-03-22. Review status: criteria provided, single submitter. Criteria: Ambry Variant Classification Scheme 2023. Collection method: clinical testing. Allele origin: germline.
Comment: The p.T365I variant (also known as c.1094C>T), located in coding exon 6 of the PDGFRA gene, results from a C to T substitution at nucleotide position 1094. The threonine at codon 365 is replaced by isoleucine, an amino acid with similar properties. This amino acid position is conserved. In addition, the in silico prediction for this alteration is inconclusive. Since supporting evidence is limited at this time, the clinical significance of this alteration remains unclear.